The following is an entry in ClinVar:

NM_001943.5(DSG2):c.1280+234A>G

Gene: DSG2 (desmoglein 2; plus strand). Cytogenetic location: 18q12.1.
Variant type: single nucleotide variant.
Coding change: c.1280+234A>G on transcript NM_001943.5 (MANE Select); 234 bases into the intron after coding-DNA position 1280, A replaced by G.
Molecular consequence: intron variant.
Genome position (GRCh38, 1-based): chr18:31,531,486, A>G. VCF-style: chr18-31531486-A-G. GRCh37 (hg19) VCF-style: chr18-29111449-A-G.
Identifiers: ClinVar variation 678479 (VCV000678479.1), dbSNP rs10163532, ClinGen allele CA297737315.
Genomic context (GRCh38, chr18:31,531,486, plus strand): 5'-ATTTTCACCAGAATCCACCTTCTTCAACCACCTGTGTGTGAGGAGGAAGTTAGTTTACTC[A>G]CCACTGAAACAGTTCTGGCTAGAGATGGCTAAAAAGCAACAAAGGAAAAGTTCAGGAAAA-3'

ClinVar aggregate classification (germline): Benign (1 of 4 stars; one submission).

Allele frequency attached by ClinVar (database versions not stated): 1000 Genomes Project 30x 0.25718; TOPMed 0.25918; 1000 Genomes Project 0.25919; gnomAD 0.26246 and 0.26311.
gnomAD v4.1: 39,949 of 152,106 alleles (26%); highest among the groups gnomAD compares: East Asian, 30%; 5,362 homozygotes.

Submission:

GeneDx
Classification: Benign. Last evaluated: 2018-06-15. Review status: criteria provided, single submitter. Criteria: GeneDx Variant Classification (06012015). Collection method: clinical testing. Allele origin: germline. Affected: yes.
Comment: This variant is considered likely benign or benign based on one or more of the following criteria: it is a conservative change, it occurs at a poorly conserved position in the protein, it is predicted to be benign by multiple in silico algorithms, and/or has population frequency not consistent with disease.